The following is an entry in ClinVar:

ClinVar aggregate classification (germline): Uncertain significance (1 of 4 stars; one submission).

Conditions:
Hereditary cancer-predisposing syndrome. Also called: Neoplastic Syndromes, Hereditary; Hereditary Cancer Syndrome; Tumor predisposition; Hereditary neoplastic syndrome. Identifiers: Orphanet 140162, MedGen C0027672, MeSH D009386, MONDO:0015356.

Submission:

Ambry Genetics
Classification: Uncertain significance for Hereditary cancer-predisposing syndrome. Last evaluated: 2022-11-17. Review status: criteria provided, single submitter. Criteria: Ambry Variant Classification Scheme 2023. Collection method: clinical testing. Allele origin: germline.
Comment: The p.Q20K variant (also known as c.58C>A), located in coding exon 1 of the MET gene, results from a C to A substitution at nucleotide position 58. The glutamine at codon 20 is replaced by lysine, an amino acid with similar properties. This amino acid position is conserved. In addition, this alteration is predicted to be tolerated by in silico analysis. Since supporting evidence is limited at this time, the clinical significance of this alteration remains unclear.

NM_000245.4(MET):c.58C>A (p.Gln20Lys)

Gene: MET (MET proto-oncogene, receptor tyrosine kinase; plus strand). Cytogenetic location: 7q31.2.
Variant type: single nucleotide variant.
Coding change: c.58C>A on transcript NM_000245.4 (MANE Select); coding-DNA position 58, C replaced by A.
Protein change: p.Gln20Lys; replaces glutamine 20 with lysine.
Molecular consequence: missense variant. On other transcripts: intron variant (1).
Genome position (GRCh38, 1-based): chr7:116,699,142, C>A. VCF-style: chr7-116699142-C-A. GRCh37 (hg19) VCF-style: chr7-116339196-C-A.
Other names: c.58C>A, p.Gln20Lys (NM_001127500.3, NM_001324401.3); c.-91+26565C>A (NM_001324402.2); short protein forms Q20K.
Identifiers: ClinVar variation 2447325 (VCV002447325.2), dbSNP rs2116579143, ClinGen allele CA368968248.
Genomic context (GRCh38, chr7:116,699,142, plus strand): 5'-ATAATGAAGGCCCCCGCTGTGCTTGCACCTGGCATCCTCGTGCTCCTGTTTACCTTGGTG[C>A]AGAGGAGCAATGGGGAGTGTAAAGAGGCACTAGCAAAGTCCGAGATGAATGTGAATATGA-3'
Protein context (NP_000236.2, residues 10-30): GILVLLFTLV[Gln20Lys]RSNGECKEAL